The following is an entry in ClinVar:

NM_004177.5(STX3):c.430C>T (p.Arg144Cys)

Gene: STX3 (syntaxin 3; plus strand). Cytogenetic location: 11q12.1.
Variant type: single nucleotide variant.
Coding change: c.430C>T on transcript NM_004177.5 (MANE Select); coding-DNA position 430, C replaced by T.
Protein change: p.Arg144Cys; replaces arginine 144 with cysteine.
Molecular consequence: missense variant.
Genome position (GRCh38, 1-based): chr11:59,792,179, C>T. VCF-style: chr11-59792179-C-T. GRCh37 (hg19) VCF-style: chr11-59559652-C-T.
Other names: c.430C>T, p.Arg144Cys (NM_001178040.3); short protein forms R144C.
Identifiers: ClinVar variation 2086932 (VCV002086932.2), dbSNP rs766257704, ClinGen allele CA6020879.
Genomic context (GRCh38, chr11:59,792,179, plus strand): 5'-TCTCGGAAGTTTGTGGAGGTGATGACCAAATACAATGAAGCTCAAGTGGACTTCCGAGAA[C>T]GCAGCAAAGGGCGAATCCAGCGGCAGCTCGAAATTAGTATGTACTTGAGGTTTGGCGTGT-3'
Protein context (NP_004168.1, residues 134-154): YNEAQVDFRE[Arg144Cys]SKGRIQRQLE

ClinVar aggregate classification (germline): Uncertain significance (1 of 4 stars; one submission).

Allele frequency attached by ClinVar (database versions not stated): ExAC 0.00001; gnomAD 0.00002; gnomAD exomes 0.00002; TOPMed 0.00002.
gnomAD v4.1: 28 of 1,613,916 alleles (0.0017%); highest among the groups gnomAD compares: Non-Finnish European, 0.002%; no homozygotes.

Submission:

Labcorp Genetics (formerly Invitae), Labcorp
Classification: Uncertain significance. Last evaluated: 2022-07-13. Review status: criteria provided, single submitter. Criteria: Invitae Variant Classification Sherloc (09022015). Collection method: clinical testing. Allele origin: germline.
Comment: This variant has not been reported in the literature in individuals affected with STX3-related conditions. This variant is present in population databases (rs766257704, gnomAD 0.01%). This sequence change replaces arginine, which is basic and polar, with cysteine, which is neutral and slightly polar, at codon 144 of the STX3 protein (p.Arg144Cys). Algorithms developed to predict the effect of missense changes on protein structure and function (SIFT, PolyPhen-2, Align-GVGD) all suggest that this variant is likely to be disruptive. In summary, the available evidence is currently insufficient to determine the role of this variant in disease. Therefore, it has been classified as a Variant of Uncertain Significance.